The following is an entry in ClinVar:

NM_001256545.2(MEGF10):c.984C>T (p.Asn328=)

Gene: MEGF10 (multiple EGF like domains 10; plus strand). Cytogenetic location: 5q23.2.
Variant type: single nucleotide variant.
Coding change: c.984C>T on transcript NM_001256545.2 (MANE Select); coding-DNA position 984, C replaced by T.
Protein change: p.Asn328=; no amino-acid change (asparagine 328 retained).
Molecular consequence: synonymous variant.
Genome position (GRCh38, 1-based): chr5:127,410,455, C>T. VCF-style: chr5-127410455-C-T. GRCh37 (hg19) VCF-style: chr5-126746147-C-T.
Other names: p.Asn328=; c.984C>T, p.Asn328= (NM_001308119.2, NM_001308121.2, NM_032446.3).
Identifiers: ClinVar variation 262081 (VCV000262081.25), dbSNP rs35550094, ClinGen allele CA3391451.

ClinVar aggregate classification (germline): Benign/Likely benign. Review status: criteria provided, multiple submitters, no conflicts (2 of 4 stars). 7 submissions from 7 submitters: Benign (5); Likely benign (2). Last evaluated 2026-02-03.

Conditions:
MEGF10-related myopathy (CMYO10A). Also called: Congenital myopathy 10A, severe variant. Identifiers: Orphanet 439212, MedGen C3280679, MONDO:0013731, OMIM 614399.

Allele frequency attached by ClinVar (database versions not stated): gnomAD 0.01526 and 0.01638; gnomAD exomes 0.00317 and 0.00579; 1000 Genomes Project 30x 0.01811; 1000 Genomes Project 0.01637; ExAC 0.00617; ESP Exome Variant Server 0.01645; TOPMed 0.01734.
gnomAD v4.1: 7,142 of 1,614,190 alleles (0.44%); highest among the groups gnomAD compares: African/African-American, 5%; 92 homozygotes.

Submissions (7):

Labcorp Genetics (formerly Invitae), Labcorp
Classification: Benign for MEGF10-related myopathy. Last evaluated: 2026-02-03. Review status: criteria provided, single submitter. Criteria: Invitae Variant Classification Sherloc (09022015). Collection method: clinical testing. Allele origin: germline.

Athena Diagnostics
Classification: Benign. Last evaluated: 2019-12-30. Review status: criteria provided, single submitter. Criteria: Athena Diagnostics Criteria. Collection method: clinical testing. Allele origin: unknown.

Mayo Clinic Laboratories, Mayo Clinic
Classification: Benign. Last evaluated: 2018-04-11. Review status: criteria provided, single submitter. Criteria: ACMG Guidelines, 2015. Collection method: clinical testing. Allele origin: germline. Observed: 10 variant alleles.

Illumina Laboratory Services, Illumina
Classification: Likely benign for MEGF10-related myopathy. Last evaluated: 2018-01-12. Review status: criteria provided, single submitter. Criteria: ICSL Variant Classification Criteria 13 December 2019. Collection method: clinical testing. Allele origin: germline.
Comment: This variant was observed in the ICSL laboratory as part of a predisposition screen in an ostensibly healthy population. It had not been previously curated by ICSL or reported in the Human Gene Mutation Database (HGMD: prior to June 1st, 2018), and was therefore a candidate for classification through an automated scoring system. Utilizing variant allele frequency, disease prevalence and penetrance estimates, and inheritance mode, an automated score was calculated to assess if this variant is too frequent to cause the disease. Based on the score and internal cut-off values, a variant classified as likely benign is not then subjected to further curation. The score for this variant resulted in a classification of likely benign for this disease.

GeneDx
Classification: Benign. Last evaluated: 2016-05-27. Review status: criteria provided, single submitter. Criteria: GeneDx Variant Classification (06012015). Collection method: clinical testing. Allele origin: germline. Affected: yes.
Comment: This variant is considered likely benign or benign based on one or more of the following criteria: it is a conservative change, it occurs at a poorly conserved position in the protein, it is predicted to be benign by multiple in silico algorithms, and/or has population frequency not consistent with disease.

Breakthrough Genomics
Classification: Likely benign. Review status: criteria provided, single submitter. Criteria: ACMG Guidelines, 2015. Collection method: not provided. Allele origin: germline. Inheritance: Autosomal recessive inheritance. Affected: yes.

PreventionGenetics, part of Exact Sciences
Classification: Benign. Review status: criteria provided, single submitter. Criteria: ACMG Guidelines, 2015. Collection method: clinical testing. Allele origin: germline.